The following is an entry in ClinVar:

ClinVar aggregate classification (germline): Conflicting classifications of pathogenicity. Review status: criteria provided, conflicting classifications (1 of 4 stars). 2 submissions from 2 submitters: Likely pathogenic (1); Uncertain significance (1). Last evaluated 2023-01-07.

Conditions:
REEP6-related disorder. Also called: REEP6-related condition.

Submissions (2):

Labcorp Genetics (formerly Invitae), Labcorp
Classification: Uncertain significance. Last evaluated: 2023-01-07. Review status: criteria provided, single submitter. Criteria: Invitae Variant Classification Sherloc (09022015). Collection method: clinical testing. Allele origin: germline.
Comment: In summary, the available evidence is currently insufficient to determine the role of this variant in disease. Therefore, it has been classified as a Variant of Uncertain Significance. This variant disrupts the C-terminus of the REEP6 protein. Other variant(s) that disrupt this region (p.Val187Glyfs*13) have been observed in individuals with REEP6-related conditions (PMID: 27889058). This suggests that this may be a clinically significant region of the protein. This frameshift has been observed in individual(s) with retinitis pigmentosa (Invitae). This variant is not present in population databases (gnomAD no frequency). This sequence change results in a frameshift in the REEP6 gene (p.Val187Trpfs*30). While this is not anticipated to result in nonsense mediated decay, it is expected to disrupt the last 25 amino acid(s) of the REEP6 protein and extend the protein by 4 additional amino acid residues.

Blueprint Genetics
Classification: Likely pathogenic for REEP6-related disorders. Last evaluated: 2021-10-29. Review status: criteria provided, single submitter. Criteria: ACMG Guidelines, 2015. Collection method: clinical testing. Allele origin: germline. Affected: yes. Observed: 5 variant alleles.

Literature cited by the submitters: PubMed 27889058 (cited by Labcorp Genetics (formerly Invitae), Labcorp).

NM_001329556.3(REEP6):c.559del (p.Val187fs)

Gene: REEP6 (receptor accessory protein 6; plus strand). Cytogenetic location: 19p13.3.
Variant type: Deletion.
Coding change: c.559del on transcript NM_001329556.3 (MANE Plus Clinical); coding-DNA position 559, one base deleted (G; older notation c.559delG).
Protein change: p.Val187fs; shifts the reading frame from valine 187.
Molecular consequence: frameshift variant. On other transcripts: intron variant (1).
Genome position (GRCh38, 1-based): chr19:1,496,632, G deleted; the last of 2 consecutive G bases (chr19:1,496,631-1,496,632); deleting either gives the same sequence. VCF-style (leftmost placement, unchanged base first): chr19-1496630-CG-C. GRCh37 (hg19) VCF-style: chr19-1496629-CG-C.
Other names: c.517+179del (NM_138393.4); short protein forms V187fs.
Identifiers: ClinVar variation 2093944 (VCV002093944.5), dbSNP rs949786923, ClinGen allele CA304053512.